The following is an entry in ClinVar:

ClinVar aggregate classification (germline): Pathogenic (1 of 4 stars; one submission).

Conditions:
Finnish congenital nephrotic syndrome (NPHS1). Also called: NEPHROTIC SYNDROME, TYPE 1. Identifiers: Orphanet 839, MedGen C0403399, MONDO:0009732, OMIM 256300.

Submission:

Myriad Genetics, Inc.
Classification: Pathogenic for Finnish congenital nephrotic syndrome. Last evaluated: 2025-07-05. Review status: criteria provided, single submitter. Criteria: Myriad Autosomal Dominant, Autosomal Recessive and X-Linked Classification Criteria (2023). Collection method: clinical testing. Allele origin: unknown.
Comment: NM_004646.3(NPHS1):c.113delC(P38Lfs*4) is expected to be pathogenic in the context of nephrotic syndrome, NPHS1-related. This variant is predicted to lead to an abnormal or absent protein product due to the creation of a premature termination codon in NPHS1, a gene where loss-of-function variants are known to be pathogenic. Please note: this variant was assessed in the context of healthy population screening.

NM_004646.4(NPHS1):c.113del (p.Pro38fs)

Genes: KIRREL2 (kirre like nephrin family adhesion molecule 2; plus strand), NPHS1 (NPHS1 adhesion molecule, nephrin; minus strand). Cytogenetic location: 19q13.12.
Variant type: Deletion.
Coding change: c.113del on transcript NM_004646.4 (MANE Select); coding-DNA position 113, one base deleted (C; older notation c.113delC).
Protein change: p.Pro38fs; shifts the reading frame from proline 38.
Molecular consequence: frameshift variant.
Genome position (GRCh38, 1-based): chr19:35,851,618, G deleted on the plus strand (C on the coding strand, the reverse complement: NPHS1 is on the minus strand); the first of 2 consecutive G bases (chr19:35,851,618-35,851,619); deleting either gives the same sequence. VCF-style (leftmost placement, unchanged base first): chr19-35851617-AG-A. GRCh37 (hg19) VCF-style: chr19-36342519-AG-A.
Other names: short protein forms P38fs.
Identifiers: ClinVar variation 5014688 (VCV005014688.1).